The following continues an entry in ClinVar:

NM_175914.5(HNF4A):c.340C>T (p.Arg114Trp)

Gene: HNF4A. ClinVar aggregate classification (germline): Likely pathogenic. Likely pathogenic (1).

Submissions 12 to 16 of 16:

Fulgent Genetics
Classification: Pathogenic for Maturity-onset diabetes of the young type 1; Type 2 diabetes mellitus; Fanconi renotubular syndrome 4 with maturity-onset diabetes of the young. Last evaluated: 2021-06-30. Review status: criteria provided, single submitter. Criteria: ACMG Guidelines, 2015. Collection method: clinical testing. Allele origin: unknown. Not counted in ClinVar's aggregate classification.
Comment: This variant has been detected in individual(s) who were sent for testing of Renasight - kidney gene panel.

Laboratory for Molecular Medicine, Mass General Brigham Personalized Medicine
Classification: Pathogenic for Maturity-onset diabetes of the young. Last evaluated: 2021-03-15. Review status: criteria provided, single submitter. Criteria: ACMG Guidelines, 2015. Collection method: clinical testing. Allele origin: germline. Not counted in ClinVar's aggregate classification.
Comment: proposed classification - variant undergoing re-assessment, contact laboratory

OMIM
Classification: Pathogenic for MATURITY-ONSET DIABETES OF THE YOUNG, TYPE 1. Last evaluated: 1997-10-01. Review status: no assertion criteria provided. Collection method: literature only. Allele origin: germline. Not counted in ClinVar's aggregate classification.

Genome Diagnostics Laboratory, Amsterdam University Medical Center
Classification: Pathogenic. Review status: no assertion criteria provided. Collection method: clinical testing. Allele origin: germline. Affected: yes. Study: VKGL Data-share Consensus. Not counted in ClinVar's aggregate classification.

Laboratory of Diagnostic Genome Analysis, Leiden University Medical Center (LUMC)
Classification: Pathogenic. Review status: no assertion criteria provided. Collection method: clinical testing. Allele origin: germline. Affected: yes. Study: VKGL Data-share Consensus. Not counted in ClinVar's aggregate classification.

Literature cited by the submitters: PubMed 27486234 (cited by 5 submitters); PubMed 9313765 (cited by 5 submitters); PubMed 11043869 (cited by Labcorp Genetics (formerly Invitae), Labcorp and Athena Diagnostics); PubMed 15830177 (cited by 3 submitters); PubMed 25414397 (cited by 4 submitters); PubMed 29207974 (cited by 3 submitters); PubMed 30977832 (cited by 3 submitters); PubMed 10389854 (cited by 4 submitters); PubMed 10606640 (cited by 4 submitters); PubMed 10819248 (cited by 4 submitters); PubMed 16223942 (cited by Labcorp Genetics (formerly Invitae), Labcorp and Athena Diagnostics); PubMed 39379762 (cited by Ambry Genetics); PubMed 24097065 (cited by Women's Health and Genetics/Laboratory Corporation of America, LabCorp); PubMed 30665703 (cited by Women's Health and Genetics/Laboratory Corporation of America, LabCorp); PubMed 30191644 (cited by Women's Health and Genetics/Laboratory Corporation of America, LabCorp); PubMed 23551881 (cited by Women's Health and Genetics/Laboratory Corporation of America, LabCorp and Athena Diagnostics); PubMed 20164212 (cited by Victorian Clinical Genetics Services, Murdoch Childrens Research Institute); PubMed 36257325 (cited by Victorian Clinical Genetics Services, Murdoch Childrens Research Institute and Athena Diagnostics); PubMed 31875549 (cited by Victorian Clinical Genetics Services, Murdoch Childrens Research Institute); PubMed 11272211 (cited by Athena Diagnostics); PubMed 17407387 (cited by Athena Diagnostics); PubMed 34789499 (cited by Athena Diagnostics); PubMed 36227502 (cited by Athena Diagnostics); PubMed 37812285 (cited by Athena Diagnostics).